The following is an entry in ClinVar:

ClinVar aggregate classification (germline): Uncertain significance. Review status: criteria provided, multiple submitters, no conflicts (2 of 4 stars). 2 submissions from 2 submitters: Uncertain significance (2). Last evaluated 2020-09-08.

Allele frequency attached by ClinVar (database versions not stated): gnomAD exomes below 0.00001; TOPMed below 0.00001; gnomAD 0.00002.
gnomAD v4.1: 5 of 1,175,291 alleles (0.00043%); highest among the groups gnomAD compares: Non-Finnish European, 0.00023%; no homozygotes.

Submissions (2):

GeneDx
Classification: Uncertain significance. Last evaluated: 2020-09-08. Review status: criteria provided, single submitter. Criteria: GeneDx Variant Classification Process June 2021. Collection method: clinical testing. Allele origin: germline. Affected: yes.
Comment: In silico analysis supports a deleterious effect on splicing; In silico analysis supports that this missense variant has a deleterious effect on protein structure/function; Has not been previously published as pathogenic or benign to our knowledge

Eurofins Ntd Llc (ga)
Classification: Uncertain significance. Last evaluated: 2017-04-13. Review status: criteria provided, single submitter. Criteria: EGL Classification Definitions 2015. Collection method: clinical testing. Allele origin: germline. Observed: 1 variant allele, 1 heterozygote.

NM_002547.3(OPHN1):c.503A>G (p.Asp168Gly)

Gene: OPHN1 (oligophrenin 1; minus strand). Cytogenetic location: Xq12.
Variant type: single nucleotide variant.
Coding change: c.503A>G on transcript NM_002547.3 (MANE Select); coding-DNA position 503, A replaced by G.
Protein change: p.Asp168Gly; replaces aspartic acid 168 with glycine.
Molecular consequence: missense variant.
Genome position (GRCh38, 1-based): chrX:68,213,956, T>C on the plus strand (A>G on the coding strand, the complement: OPHN1 is on the minus strand). VCF-style: chrX-68213956-T-C. GRCh37 (hg19) VCF-style: chrX-67433798-T-C.
Other names: short protein forms D168G.
Identifiers: ClinVar variation 501212 (VCV000501212.7), dbSNP rs1462750573, ClinGen allele CA413434725.